The following is an entry in ClinVar:

ClinVar aggregate classification (germline): Uncertain significance (1 of 4 stars; one submission).

Conditions:
Mitochondrial hypertrophic cardiomyopathy with lactic acidosis due to MTO1 deficiency. Also called: CARDIOMYOPATHY, INFANTILE HYPERTROPHIC MITOCHONDRIAL, AND LACTIC ACIDOSIS; Combined oxidative phosphorylation deficiency 10. Identifiers: Orphanet 314637, MedGen C4749921, MONDO:0013865, OMIM 614702.

Allele frequency attached by ClinVar (database versions not stated): TOPMed 0.00001; gnomAD exomes 0.00002; gnomAD 0.00004; ExAC 0.00006; 1000 Genomes Project 30x 0.00016; 1000 Genomes Project 0.00020.
gnomAD v4.1: 40 of 1,612,622 alleles (0.0025%); highest among the groups gnomAD compares: South Asian, 0.03%; no homozygotes.

Submission:

Labcorp Genetics (formerly Invitae), Labcorp
Classification: Uncertain significance for Mitochondrial hypertrophic cardiomyopathy with lactic acidosis due to MTO1 deficiency. Last evaluated: 2022-08-03. Review status: criteria provided, single submitter. Criteria: Invitae Variant Classification Sherloc (09022015). Collection method: clinical testing. Allele origin: germline.
Comment: Algorithms developed to predict the effect of missense changes on protein structure and function are either unavailable or do not agree on the potential impact of this missense change (SIFT: "Deleterious"; PolyPhen-2: "Probably Damaging"; Align-GVGD: "Class C0"). In summary, the available evidence is currently insufficient to determine the role of this variant in disease. Therefore, it has been classified as a Variant of Uncertain Significance. This variant has not been reported in the literature in individuals affected with MTO1-related conditions. This sequence change replaces threonine, which is neutral and polar, with methionine, which is neutral and non-polar, at codon 308 of the MTO1 protein (p.Thr308Met). This variant is present in population databases (rs182894774, gnomAD 0.03%).

NM_012123.4(MTO1):c.923C>T (p.Thr308Met)

Gene: MTO1 (mitochondrial tRNA translation optimization 1; plus strand). Cytogenetic location: 6q13.
Variant type: single nucleotide variant.
Coding change: c.923C>T on transcript NM_012123.4 (MANE Select); coding-DNA position 923, C replaced by T.
Protein change: p.Thr308Met; replaces threonine 308 with methionine.
Molecular consequence: missense variant.
Genome position (GRCh38, 1-based): chr6:73,479,829, C>T. VCF-style: chr6-73479829-C-T. GRCh37 (hg19) VCF-style: chr6-74189552-C-T.
Other names: c.923C>T, p.Thr308Met (NM_001123226.2, NM_133645.3); short protein forms T308M.
Identifiers: ClinVar variation 2165224 (VCV002165224.2), dbSNP rs182894774, ClinGen allele CA3889473.
Genomic context (GRCh38, chr6:73,479,829, plus strand): 5'-ACCCTAGAGTGGATGAGATTGTCCTTAAGAACCTTCACCTTAATAGTCATGTTAAAGAAA[C>T]GACAAGAGGACCTCGGTAAGGACAAAATGTCAGTGCTCAGTTACTTTAAGGAATGACGTC-3'
Protein context (NP_036255.2, residues 298-318): NLHLNSHVKE[Thr308Met]TRGPRYCPSI